The following is an entry in ClinVar:

NM_021625.5(TRPV4):c.1963C>T (p.Pro655Ser)

Gene: TRPV4 (transient receptor potential cation channel subfamily V member 4; minus strand). Cytogenetic location: 12q24.11.
Variant type: single nucleotide variant.
Coding change: c.1963C>T on transcript NM_021625.5 (MANE Select); coding-DNA position 1963, C replaced by T.
Protein change: p.Pro655Ser; replaces proline 655 with serine.
Molecular consequence: missense variant.
Genome position (GRCh38, 1-based): chr12:109,788,645, G>A on the plus strand (C>T on the coding strand, the complement: TRPV4 is on the minus strand). VCF-style: chr12-109788645-G-A. GRCh37 (hg19) VCF-style: chr12-110226450-G-A.
Other names: c.1861C>T, p.Pro621Ser (NM_001177431.2); c.1642C>T, p.Pro548Ser (NM_001177433.2); c.1783C>T, p.Pro595Ser (NM_147204.3); c.1822C>T, p.Pro608Ser (NM_001177428.2); short protein forms P548S, P595S, P608S, P621S, P655S.
Identifiers: ClinVar variation 4681041 (VCV004681041.2).

ClinVar aggregate classification (germline): Uncertain significance. Review status: criteria provided, multiple submitters, no conflicts (2 of 4 stars). 2 submissions from 2 submitters: Uncertain significance (2). Last evaluated 2025-07-02.

Conditions:
Charcot-Marie-Tooth disease axonal type 2C (HMSN2C). Also called: CHARCOT-MARIE-TOOTH DISEASE, AXONAL, AUTOSOMAL DOMINANT, TYPE 2C; Charcot-Marie-Tooth Neuropathy Type 2C; Charcot-Marie-Tooth Disease Type 2, TRPV4-Related (CMT2C). Identifiers: Orphanet 99937, MedGen C1853710, MONDO:0011633, OMIM 606071.

gnomAD v4.1: 1 of 1,614,238 alleles (0.000062%); highest among the groups gnomAD compares: Non-Finnish European, 0.000085%; no homozygotes.

Submissions (2):

GeneDx
Classification: Uncertain significance. Last evaluated: 2025-07-02. Review status: criteria provided, single submitter. Criteria: GeneDx Variant Classification Process June 2021. Collection method: clinical testing. Allele origin: germline. Affected: yes.
Comment: Not observed at significant frequency in large population cohorts (gnomAD); In silico analysis suggests that this missense variant does not alter protein structure/function; Has not been previously published as pathogenic or benign to our knowledge

Labcorp Genetics (formerly Invitae), Labcorp
Classification: Uncertain significance for Charcot-Marie-Tooth disease axonal type 2C. Last evaluated: 2025-06-29. Review status: criteria provided, single submitter. Criteria: Invitae Variant Classification Sherloc (09022015). Collection method: clinical testing. Allele origin: germline.
Comment: This sequence change replaces proline, which is neutral and non-polar, with serine, which is neutral and polar, at codon 655 of the TRPV4 protein (p.Pro655Ser). This variant is not present in population databases (gnomAD no frequency). This variant has not been reported in the literature in individuals affected with TRPV4-related conditions. Invitae Evidence Modeling of protein sequence and biophysical properties (such as structural, functional, and spatial information, amino acid conservation, physicochemical variation, residue mobility, and thermodynamic stability) has been performed for this missense variant. However, the output from this modeling did not meet the statistical confidence thresholds required to predict the impact of this variant on TRPV4 protein function. In summary, the available evidence is currently insufficient to determine the role of this variant in disease. Therefore, it has been classified as a Variant of Uncertain Significance.